The following is an entry in ClinVar:

NM_000562.3(C8A):c.855+1G>C

Gene: C8A (complement C8 alpha chain; plus strand). Cytogenetic location: 1p32.2.
Variant type: single nucleotide variant.
Coding change: c.855+1G>C on transcript NM_000562.3 (MANE Select); the canonical splice donor site of the intron after coding-DNA position 855, G replaced by C.
Molecular consequence: splice donor variant.
Genome position (GRCh38, 1-based): chr1:56,883,682, G>C. VCF-style: chr1-56883682-G-C. GRCh37 (hg19) VCF-style: chr1-57349355-G-C.
Identifiers: ClinVar variation 3605871 (VCV003605871.3), dbSNP rs1039760932.

ClinVar aggregate classification (germline): Conflicting classifications of pathogenicity. Review status: criteria provided, conflicting classifications (1 of 4 stars). 2 submissions from 2 submitters: Likely pathogenic (1); Uncertain significance (1). Last evaluated 2025-04-08.

gnomAD v4.1: 15 of 1,610,594 alleles (0.00093%); highest among the groups gnomAD compares: African/African-American, 0.019%; no homozygotes.

Submissions (2):

GeneDx
Classification: Uncertain significance. Last evaluated: 2025-04-08. Review status: criteria provided, single submitter. Criteria: GeneDx Variant Classification Process June 2021. Collection method: clinical testing. Allele origin: germline. Affected: yes.
Comment: Canonical splice site variant with an unclear effect on protein function; Has not been previously published as pathogenic or benign to our knowledge

Labcorp Genetics (formerly Invitae), Labcorp
Classification: Likely pathogenic. Last evaluated: 2024-01-29. Review status: criteria provided, single submitter. Criteria: Invitae Variant Classification Sherloc (09022015). Collection method: clinical testing. Allele origin: germline.
Comment: This sequence change affects a donor splice site in intron 6 of the C8A gene. It is expected to disrupt RNA splicing. Variants that disrupt the donor or acceptor splice site typically lead to a loss of protein function (PMID: 16199547), and loss-of-function variants in C8A are known to be pathogenic (PMID: 9759902). This variant is present in population databases (no rsID available, gnomAD 0.01%). This variant has not been reported in the literature in individuals affected with C8A-related conditions. Algorithms developed to predict the effect of sequence changes on RNA splicing suggest that this variant may disrupt the consensus splice site. In summary, the currently available evidence indicates that the variant is pathogenic, but additional data are needed to prove that conclusively. Therefore, this variant has been classified as Likely Pathogenic.

Literature cited by the submitters: PubMed 16199547 (cited by Labcorp Genetics (formerly Invitae), Labcorp); PubMed 9759902 (cited by Labcorp Genetics (formerly Invitae), Labcorp).